The following is an entry in ClinVar:

ClinVar aggregate classification (germline): Uncertain significance (1 of 4 stars; one submission).

Allele frequency attached by ClinVar (database versions not stated): gnomAD exomes below 0.00001; ExAC 0.00001.
gnomAD v4.1: 3 of 1,614,178 alleles (0.00019%); highest among the groups gnomAD compares: South Asian, 0.0033%; no homozygotes.

Submission:

Labcorp Genetics (formerly Invitae), Labcorp
Classification: Uncertain significance. Last evaluated: 2023-01-09. Review status: criteria provided, single submitter. Criteria: Invitae Variant Classification Sherloc (09022015). Collection method: clinical testing. Allele origin: germline.
Comment: This variant has not been reported in the literature in individuals affected with SNRNP200-related conditions. This sequence change replaces isoleucine, which is neutral and non-polar, with valine, which is neutral and non-polar, at codon 1849 of the SNRNP200 protein (p.Ile1849Val). This variant is present in population databases (rs772712024, gnomAD 0.003%). Advanced modeling of protein sequence and biophysical properties (such as structural, functional, and spatial information, amino acid conservation, physicochemical variation, residue mobility, and thermodynamic stability) performed at Invitae indicates that this missense variant is not expected to disrupt SNRNP200 protein function. In summary, the available evidence is currently insufficient to determine the role of this variant in disease. Therefore, it has been classified as a Variant of Uncertain Significance.

NM_014014.5(SNRNP200):c.5545A>G (p.Ile1849Val)

Gene: SNRNP200 (small nuclear ribonucleoprotein U5 subunit 200; minus strand). Cytogenetic location: 2q11.2.
Variant type: single nucleotide variant.
Coding change: c.5545A>G on transcript NM_014014.5 (MANE Select); coding-DNA position 5545, A replaced by G.
Protein change: p.Ile1849Val; replaces isoleucine 1849 with valine.
Molecular consequence: missense variant.
Genome position (GRCh38, 1-based): chr2:96,278,302, T>C on the plus strand (A>G on the coding strand, the complement: SNRNP200 is on the minus strand). VCF-style: chr2-96278302-T-C. GRCh37 (hg19) VCF-style: chr2-96944040-T-C.
Other names: short protein forms I1849V.
Identifiers: ClinVar variation 2827329 (VCV002827329.3), dbSNP rs772712024, ClinGen allele CA1777944.